The following is an entry in ClinVar:

NM_005138.3(SCO2):c.59G>T (p.Arg20Leu)

Genes: NCAPH2 (non-SMC condensin II complex subunit H2; plus strand), SCO2 (synthesis of cytochrome C oxidase 2; minus strand). Cytogenetic location: 22q13.33.
Variant type: single nucleotide variant.
Coding change: c.59G>T on transcript NM_005138.3 (MANE Select); coding-DNA position 59, G replaced by T.
Protein change: p.Arg20Leu; replaces arginine 20 with leucine.
Molecular consequence: missense variant. On other transcripts: 3 prime UTR variant (2).
Genome position (GRCh38, 1-based): chr22:50,524,353, C>A on the plus strand (G>T on the coding strand, the complement: SCO2 is on the minus strand). VCF-style: chr22-50524353-C-A. GRCh37 (hg19) VCF-style: chr22-50962782-C-A.
Other names: c.*978C>A (NM_001185011.2, NM_152299.4); c.59G>T, p.Arg20Leu (NM_001169109.2, NM_001169110.1, NM_001169111.2); short protein forms R20L.
Identifiers: ClinVar variation 1900684 (VCV001900684.2), dbSNP rs140523, ClinGen allele CA10321306.

ClinVar aggregate classification (germline): Uncertain significance (1 of 4 stars; one submission).

gnomAD v4.1: 29 of 1,601,470 alleles (0.0018%); highest among the groups gnomAD compares: South Asian, 0.0033%; no homozygotes.

Submission:

Labcorp Genetics (formerly Invitae), Labcorp
Classification: Uncertain significance. Last evaluated: 2022-01-03. Review status: criteria provided, single submitter. Criteria: Invitae Variant Classification Sherloc (09022015). Collection method: clinical testing. Allele origin: germline.
Comment: This sequence change replaces arginine, which is basic and polar, with leucine, which is neutral and non-polar, at codon 20 of the SCO2 protein (p.Arg20Leu). This variant is present in population databases (rs140523, gnomAD 0.009%). This variant has not been reported in the literature in individuals affected with SCO2-related conditions. Algorithms developed to predict the effect of missense changes on protein structure and function output the following: SIFT: "Tolerated"; PolyPhen-2: "Benign"; Align-GVGD: "Class C0". The leucine amino acid residue is found in multiple mammalian species, which suggests that this missense change does not adversely affect protein function. In summary, the available evidence is currently insufficient to determine the role of this variant in disease. Therefore, it has been classified as a Variant of Uncertain Significance.